The following is an entry in ClinVar:

NM_000128.4(F11):c.912_913delinsC (p.Glu304fs)

Gene: F11 (coagulation factor XI; plus strand). Cytogenetic location: 4q35.2.
Variant type: Indel.
Coding change: c.912_913delinsC on transcript NM_000128.4 (MANE Select); coding-DNA positions 912 to 913, AG replaced by C.
Protein change: p.Glu304fs; shifts the reading frame from glutamic acid 304.
Molecular consequence: frameshift variant. On other transcripts: splice acceptor variant (4).
Genome position (GRCh38, 1-based): chr4:186,280,269-186,280,270, AG replaced by C. VCF-style: chr4-186280269-AG-C. GRCh37 (hg19) VCF-style: chr4-187201423-AG-C.
Other names: c.912_913delinsC, p.Glu304fs (NM_001440593.1); c.642_643delinsC, p.Glu214fs (NM_001440605.1, NM_001440607.1); c.866-2_866-1delinsC (NM_001440590.1, NM_001440596.1); c.596-2_596-1delinsC (NM_001440606.1, NM_001440608.1); short protein forms E214fs, E304fs.
Identifiers: ClinVar variation 5014406 (VCV005014406.1).

ClinVar aggregate classification (germline): Pathogenic (1 of 4 stars; one submission).

Conditions:
Hereditary factor XI deficiency disease. Also called: PLASMA THROMBOPLASTIN ANTECEDENT DEFICIENCY; PTA DEFICIENCY; ROSENTHAL SYNDROME; Congenital factor XI deficiency. Identifiers: Orphanet 329, MedGen C0015523, MeSH D005173, MONDO:0012897, OMIM 612416.

Submission:

Myriad Genetics, Inc.
Classification: Pathogenic for Hereditary factor XI deficiency disease. Last evaluated: 2024-05-14. Review status: criteria provided, single submitter. Criteria: Myriad Autosomal Dominant, Autosomal Recessive and X-Linked Classification Criteria (2023). Collection method: clinical testing. Allele origin: unknown.
Comment: NM_000128.3(F11):c.912_913delAGinsC(E304Dfs*45) is expected to be pathogenic in the context of factor XI deficiency. This variant is predicted to lead to an abnormal or absent protein product due to the creation of a premature termination codon in F11, a gene where loss-of-function variants are known to be pathogenic. Please note: this variant was assessed in the context of healthy population screening.